The following is an entry in ClinVar:

NM_000059.4(BRCA2):c.5240dup (p.Asn1747fs)

Gene: BRCA2 (BRCA2 DNA repair associated; plus strand). Cytogenetic location: 13q13.1.
Variant type: Duplication.
Coding change: c.5240dup on transcript NM_000059.4 (MANE Select); coding-DNA position 5240, one base duplicated (A; older notation c.5240dupA).
Protein change: p.Asn1747fs; shifts the reading frame from asparagine 1747.
Molecular consequence: frameshift variant. On other transcripts: non-coding transcript variant (1), intron variant (2).
Genome position (GRCh38, 1-based): chr13:32,339,595, A duplicated; the last of 2 consecutive A bases (chr13:32,339,594-32,339,595); duplicating either gives the same sequence. VCF-style (leftmost placement, unchanged base first): chr13-32339593-T-TA. GRCh37 (hg19) VCF-style: chr13-32913730-T-TA.
Other names: c.5240dup, p.Asn1747fs (NM_001406719.1, NM_001406720.1); c.1910-4963dup (NM_001406721.1); c.425-4963dup (NM_001406722.1); short protein forms N1747fs.
Identifiers: ClinVar variation 2713878 (VCV002713878.3), dbSNP rs2548530305, ClinGen allele CA2697551799.

ClinVar aggregate classification (germline): Pathogenic (1 of 4 stars; one submission).

Conditions:
Hereditary breast ovarian cancer syndrome. Also called: Hereditary breast and ovarian cancer syndrome; Hereditary breast and ovarian cancer syndrome (HBOC); Hereditary breast and/or ovarian cancer syndrome; Hereditary breast and ovarian cancer; Breast and ovarian cancer; BRCA1- and BRCA2-Associated Hereditary Breast and Ovarian Cancer. Identifiers: Orphanet 145, MedGen C0677776, MeSH D061325, MONDO:0003582. Disease mechanism: loss of function.

Submission:

Labcorp Genetics (formerly Invitae), Labcorp
Classification: Pathogenic for Hereditary breast ovarian cancer syndrome. Last evaluated: 2024-10-21. Review status: criteria provided, single submitter. Criteria: Invitae Variant Classification Sherloc (09022015). Collection method: clinical testing. Allele origin: germline.
Comment: This sequence change creates a premature translational stop signal (p.Asn1747Lysfs*8) in the BRCA2 gene. It is expected to result in an absent or disrupted protein product. Loss-of-function variants in BRCA2 are known to be pathogenic (PMID: 20104584). This variant is not present in population databases (gnomAD no frequency). This variant has not been reported in the literature in individuals affected with BRCA2-related conditions. For these reasons, this variant has been classified as Pathogenic.

Literature cited by the submitters: PubMed 20104584.